The following is an entry in ClinVar:

NM_001130987.2(DYSF):c.4642C>A (p.Leu1548Met)

Gene: DYSF (dysferlin; plus strand). Cytogenetic location: 2p13.2.
Variant type: single nucleotide variant.
Coding change: c.4642C>A on transcript NM_001130987.2 (MANE Select); coding-DNA position 4642, C replaced by A.
Protein change: p.Leu1548Met; replaces leucine 1548 with methionine.
Molecular consequence: missense variant.
Genome position (GRCh38, 1-based): chr2:71,656,177, C>A. VCF-style: chr2-71656177-C-A. GRCh37 (hg19) VCF-style: chr2-71883307-C-A.
Other names: c.4483C>A, p.Leu1495Met (NM_001130976.2); c.4546C>A, p.Leu1516Met (NM_001130977.2); c.4588C>A, p.Leu1530Met (NM_001130978.2); c.4618C>A, p.Leu1540Met (NM_001130979.2); c.4576C>A, p.Leu1526Met (NM_001130980.2); c.4639C>A, p.Leu1547Met (NM_001130981.2); c.4621C>A, p.Leu1541Met (NM_001130982.2); c.4591C>A, p.Leu1531Met (NM_001130983.2); and 5 more; short protein forms L1530M, L1547M, L1496M, L1509M, L1527M, L1540M, L1541M, L1548M.
Identifiers: ClinVar variation 1397311 (VCV001397311.5), dbSNP rs2152937667, ClinGen allele CA347219327.

ClinVar aggregate classification (germline): Uncertain significance (1 of 4 stars; one submission).

Conditions:
Neuromuscular disease caused by qualitative or quantitative defects of dysferlin. Also called: Qualitative or quantitative defects of dysferlin; Dysferlinopathy. Identifiers: Orphanet 207073, MedGen C2931687, MONDO:0016145.

gnomAD v4.1: 1 of 1,614,156 alleles (0.000062%); highest among the groups gnomAD compares: East Asian, 0.0022%; no homozygotes.

Submission:

Labcorp Genetics (formerly Invitae), Labcorp
Classification: Uncertain significance for Neuromuscular disease caused by qualitative or quantitative defects of dysferlin. Last evaluated: 2021-09-01. Review status: criteria provided, single submitter. Criteria: Invitae Variant Classification Sherloc (09022015). Collection method: clinical testing. Allele origin: germline.
Comment: This sequence change replaces leucine with methionine at codon 1509 of the DYSF protein (p.Leu1509Met). The leucine residue is highly conserved and there is a small physicochemical difference between leucine and methionine. This variant is not present in population databases (ExAC no frequency). This variant has not been reported in the literature in individuals affected with DYSF-related conditions. Algorithms developed to predict the effect of missense changes on protein structure and function are either unavailable or do not agree on the potential impact of this missense change (SIFT: "Deleterious"; PolyPhen-2: "Possibly Damaging"; Align-GVGD: "Class C0"). In summary, the available evidence is currently insufficient to determine the role of this variant in disease. Therefore, it has been classified as a Variant of Uncertain Significance.